The following is an entry in ClinVar:

ClinVar aggregate classification (germline): Pathogenic (1 of 4 stars; one submission).

Submission:

Labcorp Genetics (formerly Invitae), Labcorp
Classification: Pathogenic. Last evaluated: 2025-09-30. Review status: criteria provided, single submitter. Criteria: Invitae Variant Classification Sherloc (09022015). Collection method: clinical testing. Allele origin: germline.
Comment: This sequence change creates a premature translational stop signal (p.Arg338Serfs*14) in the MID1 gene. It is expected to result in an absent or disrupted protein product. Loss-of-function variants in MID1 are known to be pathogenic (PMID: 15558842, 17221865, 21326312). This variant is not present in population databases (gnomAD no frequency). This variant has not been reported in the literature in individuals affected with MID1-related conditions. Algorithms developed to predict the effect of sequence changes on RNA splicing suggest that this variant may disrupt the consensus splice site. For these reasons, this variant has been classified as Pathogenic.

Literature cited by the submitters: PubMed 15558842; PubMed 17221865; PubMed 21326312.

NC_000023.11:g.10474749CT[1]

Gene: MID1 (midline 1; minus strand). Cytogenetic location: Xp22.2.
Variant type: Microsatellite.
Genome position: GRCh38 VCF-style: chrX-10474748-ACT-A. GRCh37 (hg19) VCF-style: chrX-10442788-ACT-A.
Identifiers: ClinVar variation 4726470 (VCV004726470.1).